The following is an entry in ClinVar:

NM_006231.4(POLE):c.3077A>G (p.Asp1026Gly)

Gene: POLE (DNA polymerase epsilon, catalytic subunit; minus strand). Cytogenetic location: 12q24.33.
Variant type: single nucleotide variant.
Coding change: c.3077A>G on transcript NM_006231.4 (MANE Select); coding-DNA position 3077, A replaced by G.
Protein change: p.Asp1026Gly; replaces aspartic acid 1026 with glycine.
Molecular consequence: missense variant.
Genome position (GRCh38, 1-based): chr12:132,659,493, T>C on the plus strand (A>G on the coding strand, the complement: POLE is on the minus strand). VCF-style: chr12-132659493-T-C. GRCh37 (hg19) VCF-style: chr12-133236079-T-C.
Other names: short protein forms D1026G.
Identifiers: ClinVar variation 2830276 (VCV002830276.3), dbSNP rs2138678892, ClinGen allele CA387391847.

ClinVar aggregate classification (germline): Uncertain significance (1 of 4 stars; one submission).

Submission:

Labcorp Genetics (formerly Invitae), Labcorp
Classification: Uncertain significance. Last evaluated: 2023-01-19. Review status: criteria provided, single submitter. Criteria: Invitae Variant Classification Sherloc (09022015). Collection method: clinical testing. Allele origin: germline.
Comment: In summary, the available evidence is currently insufficient to determine the role of this variant in disease. Therefore, it has been classified as a Variant of Uncertain Significance. Advanced modeling of protein sequence and biophysical properties (such as structural, functional, and spatial information, amino acid conservation, physicochemical variation, residue mobility, and thermodynamic stability) performed at Invitae indicates that this missense variant is expected to disrupt POLE protein function. This variant has not been reported in the literature in individuals affected with POLE-related conditions. This variant is not present in population databases (gnomAD no frequency). This sequence change replaces aspartic acid, which is acidic and polar, with glycine, which is neutral and non-polar, at codon 1026 of the POLE protein (p.Asp1026Gly).